The following is an entry in ClinVar:

Conditions:
Breast-ovarian cancer, familial, susceptibility to, 1 (BROVCA1). Also called: BRCA1 Hereditary Breast and Ovarian Cancer; OVARIAN CANCER, SUSCEPTIBILITY TO. Identifiers: Orphanet 145, MedGen C2676676, MONDO:0011450, OMIM 604370. Disease mechanism: loss of function.

Submission:

Brotman Baty Institute, University of Washington
No classification provided (evidence only). Condition: Breast-ovarian cancer, familial 1. Review status: no classification provided. Collection method: in vitro. Allele origin: not applicable. Functional consequence: functionally_normal.
ClinVar note: "not provided" was previously submitted as the classification for the variant. However, the classification appeared to be based only on an observation of functional data so it was converted to no classification on 2025-07-30.

NM_007294.4(BRCA1):c.26A>C (p.Glu9Ala)

Gene: BRCA1 (BRCA1 DNA repair associated; minus strand). Cytogenetic location: 17q21.31.
Variant type: single nucleotide variant.
Coding change: c.26A>C on transcript NM_007294.4 (MANE Select); coding-DNA position 26, A replaced by C.
Protein change: p.Glu9Ala; replaces glutamic acid 9 with alanine.
Molecular consequence: missense variant. On other transcripts: 5 prime UTR variant (1), non-coding transcript variant (1).
Genome position (GRCh38, 1-based): chr17:43,124,071, T>G on the plus strand (A>C on the coding strand, the complement: BRCA1 is on the minus strand). VCF-style: chr17-43124071-T-G. GRCh37 (hg19) VCF-style: chr17-41276088-T-G.
Other names: c.26A>C, p.Glu9Ala (NM_001407613.1, NM_001407614.1, NM_001407615.1 and 193 more transcripts); c.-232A>C (NM_001407694.1, NM_001407724.1, NM_001407727.1 and 11 more transcripts); c.-236A>C (NM_001407695.1, NM_001408465.1); c.-377A>C (NM_001407696.1); c.-261A>C (NM_001407697.1, NM_001407846.1, NM_001407920.1); c.-62A>C (NM_001407698.1, NM_001407732.1, NM_001407736.1 and 23 more transcripts); c.-235A>C (NM_001407725.1, NM_001407730.1, NM_001407734.1 and 22 more transcripts); c.-181A>C (NM_001407726.1, NM_001407751.1); and 8 more; short protein forms E9A.
Identifiers: ClinVar variation 868706 (VCV000868706.3), dbSNP rs2055738683, ClinGen allele CA10602112.
Genomic context (GRCh38, chr17:43,124,071, plus strand): 5'-ACTTACCAGATGGGACACTCTAAGATTTTCTGCATAGCATTAATGACATTTTGTACTTCT[T>G]CAACGCGAAGAGCAGATAAATCCATTTCTTTCTGTTCCAATGAACTTTAACACATTAGAA-3'
Protein context (NP_009225.1, residues 1-19): MDLSALRV[Glu9Ala]EVQNVINAMQ